The following is an entry in ClinVar:

NM_001372.4(DNAH9):c.1757G>T (p.Ser586Ile)

Gene: DNAH9 (dynein axonemal heavy chain 9; plus strand). Cytogenetic location: 17p12.
Variant type: single nucleotide variant.
Coding change: c.1757G>T on transcript NM_001372.4 (MANE Select); coding-DNA position 1757, G replaced by T.
Protein change: p.Ser586Ile; replaces serine 586 with isoleucine.
Molecular consequence: missense variant.
Genome position (GRCh38, 1-based): chr17:11,636,755, G>T. VCF-style: chr17-11636755-G-T. GRCh37 (hg19) VCF-style: chr17-11540072-G-T.
Other names: short protein forms S586I.
Identifiers: ClinVar variation 1715359 (VCV001715359.5), dbSNP rs2544262297, ClinGen allele CA398166815.

ClinVar aggregate classification (germline): Uncertain significance (1 of 4 stars; one submission).

Submission:

Labcorp Genetics (formerly Invitae), Labcorp
Classification: Uncertain significance. Last evaluated: 2022-08-06. Review status: criteria provided, single submitter. Criteria: Invitae Variant Classification Sherloc (09022015). Collection method: clinical testing. Allele origin: germline.
Comment: This variant has not been reported in the literature in individuals affected with DNAH9-related conditions. In summary, the available evidence is currently insufficient to determine the role of this variant in disease. Therefore, it has been classified as a Variant of Uncertain Significance. Algorithms developed to predict the effect of missense changes on protein structure and function are either unavailable or do not agree on the potential impact of this missense change (SIFT: "Deleterious"; PolyPhen-2: "Benign"; Align-GVGD: "Class C0"). This variant is not present in population databases (gnomAD no frequency). This sequence change replaces serine, which is neutral and polar, with isoleucine, which is neutral and non-polar, at codon 586 of the DNAH9 protein (p.Ser586Ile).